The following is an entry in ClinVar:

NM_020928.2(ZSWIM6):c.1333+6C>T

Gene: ZSWIM6 (zinc finger SWIM-type containing 6; plus strand). Cytogenetic location: 5q12.1.
Variant type: single nucleotide variant.
Coding change: c.1333+6C>T on transcript NM_020928.2 (MANE Select); 6 bases into the intron after coding-DNA position 1333, C replaced by T.
Molecular consequence: intron variant.
Genome position (GRCh38, 1-based): chr5:61,494,416, C>T. VCF-style: chr5-61494416-C-T. GRCh37 (hg19) VCF-style: chr5-60790243-C-T.
Identifiers: ClinVar variation 3823766 (VCV003823766.1).
Genomic context (GRCh38, chr5:61,494,416, plus strand): 5'-CGGCAACAAGGCACTGCAATGACTGACAAATACAGGCAGCTCTGGGATGAGCTGGGTAAG[C>T]ATGTTTCCTCACAAATTACCATTGATTTGCATATGGATAAATACCATAGTCAGATGTTTC-3'

ClinVar aggregate classification (germline): Uncertain significance (1 of 4 stars; one submission).

Conditions:
Inborn genetic diseases. Identifiers: MedGen C0950123, MeSH D030342.

Submission:

Ambry Genetics
Classification: Uncertain significance for Inborn genetic diseases. Last evaluated: 2025-01-29. Review status: criteria provided, single submitter. Criteria: Ambry Variant Classification Scheme 2023. Collection method: clinical testing. Allele origin: germline.
Comment: The c.1333+6C>T intronic alteration consists of a C to T substitution 6 nucleotides after exon 4 of the ZSWIM6 gene. Based on insufficient or conflicting evidence, the clinical significance of this alteration remains unclear.